The following is an entry in ClinVar:

ClinVar aggregate classification (germline): Uncertain significance (1 of 4 stars; one submission).

Conditions:
Hereditary breast ovarian cancer syndrome. Also called: Hereditary breast and ovarian cancer; Hereditary breast and/or ovarian cancer syndrome; Hereditary breast and ovarian cancer syndrome; Hereditary breast and ovarian cancer syndrome (HBOC); Breast and ovarian cancer; BRCA1- and BRCA2-Associated Hereditary Breast and Ovarian Cancer. Identifiers: Orphanet 145, MedGen C0677776, MeSH D061325, MONDO:0003582. Disease mechanism: loss of function.

Submission:

Labcorp Genetics (formerly Invitae), Labcorp
Classification: Uncertain significance for Hereditary breast ovarian cancer syndrome. Last evaluated: 2021-12-02. Review status: criteria provided, single submitter. Criteria: Invitae Variant Classification Sherloc (09022015). Collection method: clinical testing. Allele origin: germline.
Comment: In summary, the available evidence is currently insufficient to determine the role of this variant in disease. Therefore, it has been classified as a Variant of Uncertain Significance. Advanced modeling of protein sequence and biophysical properties (such as structural, functional, and spatial information, amino acid conservation, physicochemical variation, residue mobility, and thermodynamic stability) performed at Invitae indicates that this missense variant is not expected to disrupt BRCA2 protein function. ClinVar contains an entry for this variant (Variation ID: 956421). This variant has not been reported in the literature in individuals affected with BRCA2-related conditions. This variant is not present in population databases (gnomAD no frequency). This sequence change replaces lysine, which is basic and polar, with arginine, which is basic and polar, at codon 3313 of the BRCA2 protein (p.Lys3313Arg).

NM_000059.4(BRCA2):c.9938A>G (p.Lys3313Arg)

Gene: BRCA2 (BRCA2 DNA repair associated; plus strand). Cytogenetic location: 13q13.1.
Variant type: single nucleotide variant.
Coding change: c.9938A>G on transcript NM_000059.4 (MANE Select); coding-DNA position 9938, A replaced by G.
Protein change: p.Lys3313Arg; replaces lysine 3313 with arginine.
Molecular consequence: missense variant.
Genome position (GRCh38, 1-based): chr13:32,398,451, A>G. VCF-style: chr13-32398451-A-G. GRCh37 (hg19) VCF-style: chr13-32972588-A-G.
Other names: short protein forms K3313R.
Identifiers: ClinVar variation 956421 (VCV000956421.8), dbSNP rs2073053278, ClinGen allele CA387767194.